The following is an entry in ClinVar:

ClinVar aggregate classification (germline): Uncertain significance (1 of 4 stars; one submission).

Conditions:
DICER1-related tumor predisposition. Also called: DICER1-related pleuropulmonary blastoma cancer predisposition syndrome; DICER1 syndrome. Identifiers: Orphanet 284343, MedGen C3839822, MONDO:0100216.

Allele frequency attached by ClinVar (database versions not stated): gnomAD 0.00001.
gnomAD v4.1: 2 of 1,611,962 alleles (0.00012%); highest among the groups gnomAD compares: Non-Finnish European, 0.00017%; no homozygotes.

Submission:

Labcorp Genetics (formerly Invitae), Labcorp
Classification: Uncertain significance for DICER1-related tumor predisposition. Last evaluated: 2021-11-29. Review status: criteria provided, single submitter. Criteria: Invitae Variant Classification Sherloc (09022015). Collection method: clinical testing. Allele origin: germline.
Comment: In summary, the available evidence is currently insufficient to determine the role of this variant in disease. Therefore, it has been classified as a Variant of Uncertain Significance. Algorithms developed to predict the effect of missense changes on protein structure and function are either unavailable or do not agree on the potential impact of this missense change (SIFT: "Deleterious"; PolyPhen-2: "Benign"; Align-GVGD: "Class C0"). ClinVar contains an entry for this variant (Variation ID: 412148). This variant has not been reported in the literature in individuals affected with DICER1-related conditions. This variant is present in population databases (no rsID available, gnomAD 0.01%). This sequence change replaces proline, which is neutral and non-polar, with leucine, which is neutral and non-polar, at codon 197 of the DICER1 protein (p.Pro197Leu).

NM_177438.3(DICER1):c.590C>T (p.Pro197Leu)

Gene: DICER1 (dicer 1, ribonuclease III; minus strand). Cytogenetic location: 14q32.13.
Variant type: single nucleotide variant.
Coding change: c.590C>T on transcript NM_177438.3 (MANE Select); coding-DNA position 590, C replaced by T.
Protein change: p.Pro197Leu; replaces proline 197 with leucine.
Molecular consequence: missense variant.
Genome position (GRCh38, 1-based): chr14:95,129,616, G>A on the plus strand (C>T on the coding strand, the complement: DICER1 is on the minus strand). VCF-style: chr14-95129616-G-A. GRCh37 (hg19) VCF-style: chr14-95595953-G-A.
Other names: c.590C>T, p.Pro197Leu (NM_001195573.1, NM_001271282.3, NM_001291628.2 and 1 more transcripts); short protein forms P197L.
Identifiers: ClinVar variation 412148 (VCV000412148.8), dbSNP rs1060503642, ClinGen allele CA16614562.